The following is an entry in ClinVar:

NM_001374353.1(GLI2):c.4018G>A (p.Gly1340Ser)

Gene: GLI2 (GLI family zinc finger 2; plus strand). Cytogenetic location: 2q14.2.
Variant type: single nucleotide variant.
Coding change: c.4018G>A on transcript NM_001374353.1 (MANE Select); coding-DNA position 4018, G replaced by A.
Protein change: p.Gly1340Ser; replaces glycine 1340 with serine.
Molecular consequence: missense variant.
Genome position (GRCh38, 1-based): chr2:120,989,983, G>A. VCF-style: chr2-120989983-G-A. GRCh37 (hg19) VCF-style: chr2-121747559-G-A.
Other names: c.3643G>A, p.Gly1215Ser (NM_001374354.1); c.4069G>A, p.Gly1357Ser (NM_005270.5, NM_001371271.1); short protein forms G1357S, G1215S, G1340S.
Identifiers: ClinVar variation 2933318 (VCV002933318.3), dbSNP rs2467782911, ClinGen allele CA348177316.

ClinVar aggregate classification (germline): Uncertain significance (1 of 4 stars; one submission).

Conditions:
Holoprosencephaly 9 (HPE9). Also called: HOLOPROSENCEPHALY WITH MICROPHTHALMIA AND FIRST BRANCHIAL ARCH ANOMALIES; PITUITARY ANOMALIES WITH HOLOPROSENCEPHALY-LIKE FEATURES. Identifiers: Orphanet 2162, MedGen C1835819, MONDO:0012563, OMIM 610829.
Postaxial polydactyly-anterior pituitary anomalies-facial dysmorphism syndrome. Also called: Culler-Jones syndrome. Identifiers: Orphanet 420584, MedGen C4014479, MONDO:0014369, OMIM 615849.

Submission:

Labcorp Genetics (formerly Invitae), Labcorp
Classification: Uncertain significance for Postaxial polydactyly-anterior pituitary anomalies-facial dysmorphism syndrome; Holoprosencephaly 9. Last evaluated: 2023-09-22. Review status: criteria provided, single submitter. Criteria: Invitae Variant Classification Sherloc (09022015). Collection method: clinical testing. Allele origin: germline.
Comment: Advanced modeling of protein sequence and biophysical properties (such as structural, functional, and spatial information, amino acid conservation, physicochemical variation, residue mobility, and thermodynamic stability) performed at Invitae indicates that this missense variant is not expected to disrupt GLI2 protein function. This variant has not been reported in the literature in individuals affected with GLI2-related conditions. This variant is not present in population databases (gnomAD no frequency). This sequence change replaces glycine, which is neutral and non-polar, with serine, which is neutral and polar, at codon 1357 of the GLI2 protein (p.Gly1357Ser). In summary, the available evidence is currently insufficient to determine the role of this variant in disease. Therefore, it has been classified as a Variant of Uncertain Significance.